The following is an entry in ClinVar:

ClinVar aggregate classification (germline): Uncertain significance (1 of 4 stars; one submission).

Conditions:
Ectodermal dysplasia and immunodeficiency 2. Identifiers: Orphanet 238468, Orphanet 98813, MedGen C2677481, MONDO:0012806, OMIM 612132.

Submission:

Labcorp Genetics (formerly Invitae), Labcorp
Classification: Uncertain significance for Ectodermal dysplasia and immunodeficiency 2. Last evaluated: 2024-07-01. Review status: criteria provided, single submitter. Criteria: Invitae Variant Classification Sherloc (09022015). Collection method: clinical testing. Allele origin: germline.
Comment: This sequence change replaces leucine, which is neutral and non-polar, with proline, which is neutral and non-polar, at codon 176 of the NFKBIA protein (p.Leu176Pro). This variant is not present in population databases (gnomAD no frequency). This variant has not been reported in the literature in individuals affected with NFKBIA-related conditions. An algorithm developed to predict the effect of missense changes on protein structure and function (PolyPhen-2) suggests that this variant is likely to be disruptive. In summary, the available evidence is currently insufficient to determine the role of this variant in disease. Therefore, it has been classified as a Variant of Uncertain Significance.

NM_020529.3(NFKBIA):c.527T>C (p.Leu176Pro)

Gene: NFKBIA (NFKB inhibitor alpha; minus strand). Cytogenetic location: 14q13.2.
Variant type: single nucleotide variant.
Coding change: c.527T>C on transcript NM_020529.3 (MANE Select); coding-DNA position 527, T replaced by C.
Protein change: p.Leu176Pro; replaces leucine 176 with proline.
Molecular consequence: missense variant.
Genome position (GRCh38, 1-based): chr14:35,403,170, A>G on the plus strand (T>C on the coding strand, the complement: NFKBIA is on the minus strand). VCF-style: chr14-35403170-A-G. GRCh37 (hg19) VCF-style: chr14-35872376-A-G.
Other names: short protein forms L176P.
Identifiers: ClinVar variation 2840992 (VCV002840992.3), dbSNP rs2502183678, ClinGen allele CA389452865.
Genomic context (GRCh38, chr14:35,403,170, plus strand): 5'-CCCTCCGAGGGGGTGGGGCAGGGCAGGGAGGCAGACATACCATTGTAGTTGGTAGCCTTC[A>G]GGATGGAGTGGAGGTGCGGGGTGGTGCAGGACTGAGTCAGGACTCCCACGCTGGCCAGGC-3'
Protein context (NP_065390.1, residues 166-186): SCTTPHLHSI[Leu176Pro]KATNYNGHTC